The following is an entry in ClinVar:

ClinVar aggregate classification (germline): Uncertain significance (1 of 4 stars; one submission).

Allele frequency attached by ClinVar (database versions not stated): gnomAD exomes below 0.00001.
gnomAD v4.1: 1 of 1,613,664 alleles (0.000062%); highest among the groups gnomAD compares: Non-Finnish European, 0.000085%; no homozygotes.

Submission:

Labcorp Genetics (formerly Invitae), Labcorp
Classification: Uncertain significance. Last evaluated: 2021-12-08. Review status: criteria provided, single submitter. Criteria: Invitae Variant Classification Sherloc (09022015). Collection method: clinical testing. Allele origin: germline.
Comment: This sequence change replaces proline, which is neutral and non-polar, with leucine, which is neutral and non-polar, at codon 1373 of the VCAN protein (p.Pro1373Leu). This variant is not present in population databases (gnomAD no frequency). This variant has not been reported in the literature in individuals affected with VCAN-related conditions. Algorithms developed to predict the effect of missense changes on protein structure and function are either unavailable or do not agree on the potential impact of this missense change (SIFT: "Tolerated"; PolyPhen-2: "Probably Damaging"; Align-GVGD: "Class C0"). In summary, the available evidence is currently insufficient to determine the role of this variant in disease. Therefore, it has been classified as a Variant of Uncertain Significance.

NM_004385.5(VCAN):c.4118C>T (p.Pro1373Leu)

Genes: VCAN (versican; plus strand), VCAN-AS1 (VCAN antisense RNA 1; minus strand). Cytogenetic location: 5q14.3.
Variant type: single nucleotide variant.
Coding change: c.4118C>T on transcript NM_004385.5 (MANE Select); coding-DNA position 4118, C replaced by T.
Protein change: p.Pro1373Leu; replaces proline 1373 with leucine.
Molecular consequence: missense variant. On other transcripts: intron variant (2).
Genome position (GRCh38, 1-based): chr5:83,537,121, C>T. VCF-style: chr5-83537121-C-T. GRCh37 (hg19) VCF-style: chr5-82832940-C-T.
Other names: c.1157C>T, p.Pro386Leu (NM_001164097.2); c.4004-8416C>T (NM_001164098.2); c.1043-8416C>T (NM_001126336.3); short protein forms P386L, P1373L.
Identifiers: ClinVar variation 2114716 (VCV002114716.4), dbSNP rs2479102000, ClinGen allele CA360307539.
Genomic context (GRCh38, chr5:83,537,121, plus strand): 5'-AAGATGAACCTTGTAGTGAAGAAACAGATCCAGTGCATGATCTAATGGCTGAAATTTTAC[C>T]TGAATTCCCTGACATAATTGAAATAGACCTATACCACAGTGAAGAAAATGAAGAAGAAGA-3'
Protein context (NP_004376.2, residues 1363-1383): PVHDLMAEIL[Pro1373Leu]EFPDIIEIDL